The following is an entry in ClinVar:

NM_000059.4(BRCA2):c.1267A>G (p.Ile423Val)

Gene: BRCA2 (BRCA2 DNA repair associated; plus strand). Cytogenetic location: 13q13.1.
Variant type: single nucleotide variant.
Coding change: c.1267A>G on transcript NM_000059.4 (MANE Select); coding-DNA position 1267, A replaced by G.
Protein change: p.Ile423Val; replaces isoleucine 423 with valine.
Molecular consequence: missense variant.
Genome position (GRCh38, 1-based): chr13:32,332,745, A>G. VCF-style: chr13-32332745-A-G. GRCh37 (hg19) VCF-style: chr13-32906882-A-G.
Other names: short protein forms I423V.
Identifiers: ClinVar variation 441466 (VCV000441466.15), dbSNP rs1555281802, ClinGen allele CA387762358.

ClinVar aggregate classification (germline): Conflicting classifications of pathogenicity. Review status: criteria provided, conflicting classifications (1 of 4 stars). 4 submissions from 4 submitters: Uncertain significance (3); Likely benign (1). Last evaluated 2023-03-23.

Conditions:
Hereditary breast ovarian cancer syndrome. Also called: Hereditary breast and ovarian cancer; Breast and ovarian cancer; Hereditary breast and ovarian cancer syndrome; Hereditary breast and/or ovarian cancer syndrome; BRCA1- and BRCA2-Associated Hereditary Breast and Ovarian Cancer; Hereditary breast and ovarian cancer syndrome (HBOC). Identifiers: Orphanet 145, MedGen C0677776, MeSH D061325, MONDO:0003582. Disease mechanism: loss of function.
Breast and/or ovarian cancer. Identifiers: MedGen CN221562.
Hereditary cancer-predisposing syndrome. Also called: Hereditary Cancer Syndrome; Hereditary neoplastic syndrome; Neoplastic Syndromes, Hereditary; Tumor predisposition. Identifiers: Orphanet 140162, MedGen C0027672, MeSH D009386, MONDO:0015356.

Submissions (4):

University of Washington Department of Laboratory Medicine, University of Washington
Classification: Likely benign for Hereditary cancer-predisposing syndrome. Last evaluated: 2023-03-23. Review status: criteria provided, single submitter. Criteria: Dines et al. (Genet Med. 2020). Collection method: curation. Allele origin: germline.
Comment: Missense variant in a coldspot region where missense variants are very unlikely to be pathogenic (PMID:31911673).

BRCA2 exon 10 coldspot. Reclassification based on statistical prior probability.

CHEO Genetics Diagnostic Laboratory, Children's Hospital of Eastern Ontario
Classification: Uncertain significance for Breast and/or ovarian cancer. Last evaluated: 2021-10-29. Review status: criteria provided, single submitter. Criteria: ACMG Guidelines, 2015. Collection method: clinical testing. Allele origin: germline.

Labcorp Genetics (formerly Invitae), Labcorp
Classification: Uncertain significance for Hereditary breast ovarian cancer syndrome. Last evaluated: 2021-03-14. Review status: criteria provided, single submitter. Criteria: Invitae Variant Classification Sherloc (09022015). Collection method: clinical testing. Allele origin: germline.
Comment: This variant is not present in population databases (ExAC no frequency). This sequence change replaces isoleucine with valine at codon 423 of the BRCA2 protein (p.Ile423Val). The isoleucine residue is weakly conserved and there is a small physicochemical difference between isoleucine and valine. This variant has not been reported in the literature in individuals with BRCA2-related conditions. ClinVar contains an entry for this variant (Variation ID: 441466). In summary, the available evidence is currently insufficient to determine the role of this variant in disease. Therefore, it has been classified as a Variant of Uncertain Significance. Advanced modeling of protein sequence and biophysical properties (such as structural, functional, and spatial information, amino acid conservation, physicochemical variation, residue mobility, and thermodynamic stability) performed at Invitae indicates that this missense variant is not expected to disrupt BRCA2 protein function.

Ambry Genetics
Classification: Uncertain significance for Hereditary cancer-predisposing syndrome. Last evaluated: 2016-01-26. Review status: criteria provided, single submitter. Criteria: Ambry Variant Classification Scheme 2023. Collection method: clinical testing. Allele origin: germline.
Comment: The p.I423V variant (also known as c.1267A>G), located in coding exon 9 of the BRCA2 gene, results from an A to G substitution at nucleotide position 1267. The isoleucine at codon 423 is replaced by valine, an amino acid with highly similar properties. This variant was not reported in population based cohorts in the following databases: Database of Single Nucleotide Polymorphisms (dbSNP), NHLBI Exome Sequencing Project (ESP), and 1000 Genomes Project. In the ESP, this variant was not observed in 6499 samples (12998 alleles) with coverage at this position. To date, this alteration has been detected with an allele frequency of approximately 0.0004% (greater than 225000 alleles tested) in our clinical cohort. This amino acid position is poorly conserved in available vertebrate species. In addition, this alteration is predicted to be tolerated by in silico analysis. Since supporting evidence is limited at this time, the clinical significance of this alteration remains unclear.